The following is an entry in ClinVar:

NM_000350.3(ABCA4):c.1805G>A (p.Arg602Gln)

Gene: ABCA4 (ATP binding cassette subfamily A member 4; minus strand). Cytogenetic location: 1p22.1.
Variant type: single nucleotide variant.
Coding change: c.1805G>A on transcript NM_000350.3 (MANE Select); coding-DNA position 1805, G replaced by A.
Protein change: p.Arg602Gln; replaces arginine 602 with glutamine.
Molecular consequence: missense variant.
Genome position (GRCh38, 1-based): chr1:94,062,709, C>T on the plus strand (G>A on the coding strand, the complement: ABCA4 is on the minus strand). VCF-style: chr1-94062709-C-T. GRCh37 (hg19) VCF-style: chr1-94528265-C-T.
Other names: c.1805G>A, p.Arg602Gln (NM_001425324.1); short protein forms R602Q.
Identifiers: ClinVar variation 99085 (VCV000099085.16), dbSNP rs61749410, ClinGen allele CA226933.

ClinVar aggregate classification (germline): Pathogenic/Likely pathogenic. Review status: criteria provided, multiple submitters, no conflicts (2 of 4 stars). 6 submissions from 6 submitters: Pathogenic (4); Likely pathogenic (1). 1 of the submissions does not count toward it. Last evaluated 2026-05-13.

Conditions:
ABCA4-related disorder. Also called: ABCA4-related condition; ABCA4-related disorders. Identifiers: MedGen CN239167.
Retinal dystrophy. Also called: Inherited retinal dystrophy. Identifiers: Orphanet 71862, MedGen C0854723, MeSH D058499, MONDO:0019118, HP:0000556.

Allele frequency attached by ClinVar (database versions not stated): ExAC 0.00002; gnomAD exomes 0.00002; gnomAD 0.00006; TOPMed 0.00006; ESP Exome Variant Server 0.00015.
gnomAD v4.1: 75 of 1,613,988 alleles (0.0046%); highest among the groups gnomAD compares: African/African-American, 0.0067%; no homozygotes.

Submissions (6):

PreventionGenetics, part of Exact Sciences
Classification: Pathogenic for ABCA4-related condition. Last evaluated: 2026-05-13. Review status: criteria provided, single submitter. Criteria: ACMG Guidelines, 2015. Collection method: clinical testing. Allele origin: germline.
Comment: The ABCA4 c.1805G>A variant is predicted to result in the amino acid substitution p.Arg602Gln. This variant has been reported in multiple individuals with Stargardt disease (see for examples: Briggs et al. 2001. PubMed ID: 11527935; Zhao et al. 2014. PubMed ID: 25472526; Lee et al. 2015. PubMed ID: 25910913; Table S1, Lin et al. 2024. PubMed ID: 38219857). An alternate missense variant affecting this same amino acid residue (p.Arg602Trp) has also been reported in multiple individuals with retinal disease (see for example: Table S1, Lin et al. 2024. PubMed ID: 38219857). This variant is present in 0.0065% of alleles in individuals of South Asian descent in gnomAD. Given the evidence, we interpret this variant as pathogenic.

Labcorp Genetics (formerly Invitae), Labcorp
Classification: Pathogenic. Last evaluated: 2025-10-06. Review status: criteria provided, single submitter. Criteria: Invitae Variant Classification Sherloc (09022015). Collection method: clinical testing. Allele origin: germline.
Comment: This sequence change replaces arginine, which is basic and polar, with glutamine, which is neutral and polar, at codon 602 of the ABCA4 protein (p.Arg602Gln). This variant is present in population databases (rs61749410, gnomAD 0.008%). This missense change has been observed in individuals with retinal disease (PMID: 20696155, 22449572, 23982839, 25472526, 25910913). ClinVar contains an entry for this variant (Variation ID: 99085). Invitae Evidence Modeling of protein sequence and biophysical properties (such as structural, functional, and spatial information, amino acid conservation, physicochemical variation, residue mobility, and thermodynamic stability) indicates that this missense variant is expected to disrupt ABCA4 protein function with a positive predictive value of 95%. This variant disrupts the p.Arg602 amino acid residue in ABCA4. Other variant(s) that disrupt this residue have been determined to be pathogenic (PMID: 16103129, 23755871). This suggests that this residue is clinically significant, and that variants that disrupt this residue are likely to be disease-causing. For these reasons, this variant has been classified as Pathogenic.

Blueprint Genetics
Classification: Pathogenic for ABCA4-related disorders. Last evaluated: 2023-12-05. Review status: criteria provided, single submitter. Criteria: ACMG Guidelines, 2015. Collection method: clinical testing. Allele origin: germline. Affected: yes. Observed: 5 variant alleles.

Illumina Laboratory Services, Illumina
Classification: Likely pathogenic for ABCA4-Related Disorders. Last evaluated: 2017-04-27. Review status: criteria provided, single submitter. Criteria: ICSL Variant Classification Criteria 09 May 2019. Collection method: clinical testing. Allele origin: germline.
Comment: Across a selection of the available literature, the ABCA4 c.1805G>A (p.Arg602Gln) missense variant has been reported in a total of seven individuals with Stargardt disease including in one in a homozygous state, four in a compound heterozygous state, and two in a heterozygous state in whom a second variant has not been identified (Briggs et al. 2001; Webster et al. 2001; Ernest et al. 2009; Burke et al. 2010; Zernant et al. 2011; Fujinami et al. 2013; Gemenetzi et al. 2013). The authors suggested the presence of the variant in a heterozygous state in patients may be attributed to the large size and allelic heterogeneity of the ABCA4 gene. Overlapping phenotypes with other ABCA4 associated diseases such as cone-rod dystrophy, dominant forms of macular deneration, and retinitis pigmentosa may also complicate the identification of disease-causing ABCA4 variants. The p.Arg602Gln variant was absent from at least 96 controls and is reported at a frequency of 0.00023 in the African American population of the Exome Sequencing Project, but this is based on one allele in an area of good coverage so the variant is presumed to be rare. The variant is significantly over-represented in the affected population, and is likely contributing to disease. Based on the evidence, the p.Arg602Gln variant is classified as likely pathogenic for ABCA4-related disorders. This variant was observed by ICSL as part of a predisposition screen in an ostensibly healthy population.

Institute of Human Genetics, Univ. Regensburg, Univ. Regensburg
Classification: Pathogenic for Retinal dystrophy. Last evaluated: 2008-01-01. Review status: criteria provided, single submitter. Criteria: ACMG Guidelines, 2015. Collection method: clinical testing. Allele origin: germline. Affected: yes.

Retina International
No classification provided. Review status: no classification provided. Collection method: not provided. Allele origin: not provided. Not counted in ClinVar's aggregate classification.

Literature cited by the submitters: PubMed 20696155 (cited by Labcorp Genetics (formerly Invitae), Labcorp); PubMed 22449572 (cited by Labcorp Genetics (formerly Invitae), Labcorp); PubMed 23982839 (cited by Labcorp Genetics (formerly Invitae), Labcorp); PubMed 25472526 (cited by Labcorp Genetics (formerly Invitae), Labcorp and Institute of Human Genetics, Univ. Regensburg, Univ. Regensburg); PubMed 25910913 (cited by Labcorp Genetics (formerly Invitae), Labcorp and Institute of Human Genetics, Univ. Regensburg, Univ. Regensburg); PubMed 16103129 (cited by Labcorp Genetics (formerly Invitae), Labcorp); PubMed 23755871 (cited by Labcorp Genetics (formerly Invitae), Labcorp); PubMed 11527935 (cited by Institute of Human Genetics, Univ. Regensburg, Univ. Regensburg); PubMed 31964843 (cited by Institute of Human Genetics, Univ. Regensburg, Univ. Regensburg); PubMed 34587367 (cited by Institute of Human Genetics, Univ. Regensburg, Univ. Regensburg); PubMed 36460718 (cited by Institute of Human Genetics, Univ. Regensburg, Univ. Regensburg).